The following is an entry in ClinVar:

ClinVar aggregate classification (germline): Uncertain significance (1 of 4 stars; one submission).

gnomAD v4.1: 4 of 1,508,130 alleles (0.00027%); highest among the groups gnomAD compares: Non-Finnish European, 0.00036%; no homozygotes.

Submission:

GeneDx
Classification: Uncertain significance. Last evaluated: 2019-09-25. Review status: criteria provided, single submitter. Criteria: GeneDx Variant Classification Process June 2021. Collection method: clinical testing. Allele origin: germline. Affected: yes.
Comment: Not observed in large population cohorts (Lek et al., 2016); In silico analysis, which includes protein predictors and evolutionary conservation, supports that this variant does not alter protein structure/function; Has not been previously published as pathogenic or benign to our knowledge

NM_014727.3(KMT2B):c.1867C>G (p.Pro623Ala)

Gene: KMT2B (lysine methyltransferase 2B; plus strand). Cytogenetic location: 19q13.12.
Variant type: single nucleotide variant.
Coding change: c.1867C>G on transcript NM_014727.3 (MANE Select); coding-DNA position 1867, C replaced by G.
Protein change: p.Pro623Ala; replaces proline 623 with alanine.
Molecular consequence: missense variant.
Genome position (GRCh38, 1-based): chr19:35,721,214, C>G. VCF-style: chr19-35721214-C-G. GRCh37 (hg19) VCF-style: chr19-36212116-C-G.
Other names: short protein forms P623A.
Identifiers: ClinVar variation 1312289 (VCV001312289.2), dbSNP rs1850067090, ClinGen allele CA405394529.